The following is an entry in ClinVar:

ClinVar aggregate classification (germline): Likely benign. Review status: criteria provided, multiple submitters, no conflicts (2 of 4 stars). 5 submissions from 5 submitters: Likely benign (4). 1 of the submissions does not count toward it. Last evaluated 2026-01-21.

Conditions:
Familial hyperaldosteronism type III. Also called: Familial hyperaldosteronism type 3; FH III. Identifiers: Orphanet 251274, MedGen C3838758, MONDO:0013359, OMIM 613677.
Long QT syndrome 13 (LQT13). Identifiers: Orphanet 101016, Orphanet 768, MedGen C3150733, MONDO:0013279, OMIM 613485.
Cardiovascular phenotype. Identifiers: MedGen CN230736.
KCNJ5-related disorder. Also called: KCNJ5-related condition.
Long QT syndrome (LQTS). Identifiers: MedGen C0023976, MeSH D008133, MONDO:0002442. Disease mechanism: loss of function. Inheritance: Various modes of inheritance.

Allele frequency attached by ClinVar (database versions not stated): gnomAD exomes 0.00003 and 0.00005; ExAC 0.00005; ESP Exome Variant Server 0.00015; TOPMed 0.00017; gnomAD 0.00019 and 0.00021.
gnomAD v4.1: 75 of 1,603,918 alleles (0.0047%); highest among the groups gnomAD compares: African/African-American, 0.066%; no homozygotes.

Submissions (5):

Labcorp Genetics (formerly Invitae), Labcorp
Classification: Likely benign for Long QT syndrome. Last evaluated: 2026-01-21. Review status: criteria provided, single submitter. Criteria: Invitae Variant Classification Sherloc (09022015). Collection method: clinical testing. Allele origin: germline.

Fulgent Genetics
Classification: Likely benign for Long QT syndrome 13; Familial hyperaldosteronism type III. Last evaluated: 2022-04-14. Review status: criteria provided, single submitter. Criteria: ACMG Guidelines, 2015. Collection method: clinical testing. Allele origin: unknown.

Ambry Genetics
Classification: Likely benign for Cardiovascular phenotype. Last evaluated: 2019-02-19. Review status: criteria provided, single submitter. Criteria: Ambry Variant Classification Scheme 2023. Collection method: clinical testing. Allele origin: germline.

Breakthrough Genomics
Classification: Likely benign. Review status: criteria provided, single submitter. Criteria: ACMG Guidelines, 2015. Collection method: not provided. Allele origin: germline. Inheritance: Autosomal dominant inheritance. Affected: yes.

PreventionGenetics, part of Exact Sciences
Classification: Likely benign for KCNJ5-related condition. Last evaluated: 2019-06-20. Review status: no assertion criteria provided. Collection method: clinical testing. Allele origin: germline. Not counted in ClinVar's aggregate classification.
Comment: This variant is classified as likely benign based on ACMG/AMP sequence variant interpretation guidelines (Richards et al. 2015 PMID: 25741868, with internal and published modifications).

NM_000890.5(KCNJ5):c.645G>A (p.Leu215=)

Gene: KCNJ5 (potassium inwardly rectifying channel subfamily J member 5; plus strand). Cytogenetic location: 11q24.3.
Variant type: single nucleotide variant.
Coding change: c.645G>A on transcript NM_000890.5 (MANE Select); coding-DNA position 645, G replaced by A.
Protein change: p.Leu215=; no amino-acid change (leucine 215 retained).
Molecular consequence: synonymous variant.
Genome position (GRCh38, 1-based): chr11:128,911,918, G>A. VCF-style: chr11-128911918-G-A. GRCh37 (hg19) VCF-style: chr11-128781813-G-A.
Other names: c.645G>A (LRG_333t1); c.645G>A, p.Leu215= (NM_001354169.2).
Identifiers: ClinVar variation 527073 (VCV000527073.16), dbSNP rs147245544, ClinGen allele CA6357910.
Genomic context (GRCh38, chr11:128,911,918, plus strand): 5'-GAGAGCGGAGACCCTCATGTTTTCCAACAACGCAGTCATCTCCATGCGGGACGAGAAGCT[G>A]TGCCTCATGTTCCGGGTGGGCGACCTCCGCAACTCCCACATCGTGGAGGCCTCCATCCGG-3'
Protein context (NP_000881.3, residues 205-225): NAVISMRDEK[Leu215=]CLMFRVGDLR